The following is an entry in ClinVar:

ClinVar aggregate classification (germline): Uncertain significance (1 of 4 stars; one submission).

Conditions:
Intellectual disability. Also called: Intellectual functioning disability; intellectual disabilities; Intellectual developmental disorder. Identifiers: MedGen C3714756, MeSH D008607, MONDO:0001071, HP:0001249.
Juvenile-onset progressive generalized dystonia.
Cerebellar atrophy. Identifiers: MedGen C0740279, HP:0001272.

Allele frequency attached by ClinVar (database versions not stated): ExAC 0.00004; TOPMed 0.00001; gnomAD 0.00002 and 0.00003; gnomAD exomes 0.00002 and 0.00004.
gnomAD v4.1: 33 of 1,606,182 alleles (0.0021%); highest among the groups gnomAD compares: South Asian, 0.023%; 1 homozygote.

Submission:

Diagnostics Services (NGS), CSIR - Centre For Cellular And Molecular Biology
Classification: Uncertain significance for Juvenile-onset progressive generalized dystonia; Intellectual disability; Cerebellar atrophy. Last evaluated: 2021-05-10. Review status: criteria provided, single submitter. Criteria: ACMG Guidelines, 2015. Collection method: clinical testing. Allele origin: germline. Inheritance: Autosomal recessive inheritance. Affected: yes and no. Observed: 2 heterozygotes, 1 homozygote. Segregation with disease observed.
Comment: The c.1325G>A variant is not present in publicly available population databases like 1000 Genomes or Exome Variant Server (EVS). The heterozygous state of the variant is present inExome Aggregation Consortium (ExAC), Genome Aggregation Database (gnomAD), dbSNP, Indian Exome Database [Kausthubham et al. Hum Mutat, 2021] and in our in-house exome database at a very low frequency. The variant has not been reported previously to ClinVar, Human Genome Mutation Database (HGMD) or OMIM databases.In-silico pathogenicity prediction programs like PolyPhen3, MutationTaster2, CADD etc. predicted this variant to be likely disease causing, however this is not confirmed by any proven functional studies. Due to lack of enough evidences the variant has been classfied as uncertain significance.

NM_004758.4(TSPOAP1):c.1325G>A (p.Arg442Gln)

Gene: TSPOAP1 (TSPO associated protein 1; minus strand). Cytogenetic location: 17q22.
Variant type: single nucleotide variant.
Coding change: c.1325G>A on transcript NM_004758.4 (MANE Select); coding-DNA position 1325, G replaced by A.
Protein change: p.Arg442Gln; replaces arginine 442 with glutamine.
Molecular consequence: missense variant.
Genome position (GRCh38, 1-based): chr17:58,322,405, C>T on the plus strand (G>A on the coding strand, the complement: TSPOAP1 is on the minus strand). VCF-style: chr17-58322405-C-T. GRCh37 (hg19) VCF-style: chr17-56399766-C-T.
Other names: c.1325G>A, p.Arg442Gln (NM_001261835.2); c.1145G>A, p.Arg382Gln (NM_024418.3); short protein forms R382Q, R442Q.
Identifiers: ClinVar variation 1173103 (VCV001173103.4), dbSNP rs756869149, ClinGen allele CA8672374.